The following is an entry in ClinVar:

ClinVar aggregate classification (germline): Likely pathogenic (1 of 4 stars; one submission).

Submission:

Labcorp Genetics (formerly Invitae), Labcorp
Classification: Likely pathogenic. Last evaluated: 2022-02-20. Review status: criteria provided, single submitter. Criteria: Invitae Variant Classification Sherloc (09022015). Collection method: clinical testing. Allele origin: germline.
Comment: In summary, the currently available evidence indicates that the variant is pathogenic, but additional data are needed to prove that conclusively. Therefore, this variant has been classified as Likely Pathogenic. Algorithms developed to predict the effect of sequence changes on RNA splicing suggest that this variant may disrupt the consensus splice site. This variant has not been reported in the literature in individuals affected with DNM1L-related conditions. This variant is not present in population databases (gnomAD no frequency). This sequence change affects a donor splice site in intron 15 of the DNM1L gene. It is expected to disrupt RNA splicing. Variants that disrupt the donor or acceptor splice site typically lead to a loss of protein function (PMID: 16199547), and loss-of-function variants in DNM1L are known to be pathogenic (PMID: 26825290, 27328748).

Literature cited by the submitters: PubMed 16199547; PubMed 26825290; PubMed 27328748.

NM_012062.5(DNM1L):c.1674+2T>A

Gene: DNM1L (dynamin 1 like; plus strand). Cytogenetic location: 12p11.21.
Variant type: single nucleotide variant.
Coding change: c.1674+2T>A on transcript NM_012062.5 (MANE Select); the canonical splice donor site of the intron after coding-DNA position 1674, T replaced by A.
Molecular consequence: splice donor variant. On other transcripts: intron variant (3).
Genome position (GRCh38, 1-based): chr12:32,737,944, T>A. VCF-style: chr12-32737944-T-A. GRCh37 (hg19) VCF-style: chr12-32890878-T-A.
Other names: c.1713+2T>A (NM_001278464.2, NM_001278465.2); c.1635+783T>A (NM_001330380.2); c.1065+2T>A (NM_001278466.2); c.1674+2T>A (NM_001278463.2); c.1597-320T>A (NM_012063.4); c.1596+783T>A (NM_005690.5).
Identifiers: ClinVar variation 2100336 (VCV002100336.4), dbSNP rs2541110091, ClinGen allele CA384361428.